The following is an entry in ClinVar:

ClinVar aggregate classification (germline): Uncertain significance (1 of 4 stars; one submission).

Conditions:
Creatine transporter deficiency (CCDS1). Also called: Mental retardation , X-linked with seizures, short stature and midface hypoplasia; Mental retardation , X-linked, with creatine transport deficiency; X-linked creatine transporter deficiency; X-linked creatine deficiency syndrome; SLC6A8-Related Creatine Transporter Deficiency; CREATINE TRANSPORTER DEFECT. Identifiers: Orphanet 52503, MedGen C1845862, MONDO:0010305, OMIM 300352.

Submission:

Labcorp Genetics (formerly Invitae), Labcorp
Classification: Uncertain significance for Creatine transporter deficiency. Last evaluated: 2024-02-10. Review status: criteria provided, single submitter. Criteria: Invitae Variant Classification Sherloc (09022015). Collection method: clinical testing. Allele origin: germline.
Comment: This sequence change replaces threonine, which is neutral and polar, with serine, which is neutral and polar, at codon 620 of the SLC6A8 protein (p.Thr620Ser). This variant is not present in population databases (gnomAD no frequency). This variant has not been reported in the literature in individuals affected with SLC6A8-related conditions. Advanced modeling of protein sequence and biophysical properties (such as structural, functional, and spatial information, amino acid conservation, physicochemical variation, residue mobility, and thermodynamic stability) performed at Invitae indicates that this missense variant is not expected to disrupt SLC6A8 protein function with a negative predictive value of 95%. In summary, the available evidence is currently insufficient to determine the role of this variant in disease. Therefore, it has been classified as a Variant of Uncertain Significance.

NM_005629.4(SLC6A8):c.1859C>G (p.Thr620Ser)

Gene: SLC6A8 (solute carrier family 6 member 8; plus strand). Cytogenetic location: Xq28.
Variant type: single nucleotide variant.
Coding change: c.1859C>G on transcript NM_005629.4 (MANE Select); coding-DNA position 1859, C replaced by G.
Protein change: p.Thr620Ser; replaces threonine 620 with serine.
Molecular consequence: missense variant.
Genome position (GRCh38, 1-based): chrX:153,695,165, C>G. VCF-style: chrX-153695165-C-G. GRCh37 (hg19) VCF-style: chrX-152960620-C-G.
Other names: c.1829C>G, p.Thr610Ser (NM_001142805.2); c.1514C>G, p.Thr505Ser (NM_001142806.1); short protein forms T610S, T620S, T505S.
Identifiers: ClinVar variation 3636341 (VCV003636341.2).